The following is an entry in ClinVar:

NM_004963.4(GUCY2C):c.281A>C (p.Asp94Ala)

Genes: GUCY2C (guanylate cyclase 2C; minus strand), GUCY2C-AS1 (GUCY2C antisense RNA 1; plus strand). Cytogenetic location: 12p12.3.
Variant type: single nucleotide variant.
Coding change: c.281A>C on transcript NM_004963.4 (MANE Select); coding-DNA position 281, A replaced by C.
Protein change: p.Asp94Ala; replaces aspartic acid 94 with alanine.
Molecular consequence: missense variant.
Genome position (GRCh38, 1-based): chr12:14,688,000, T>G on the plus strand (A>C on the coding strand, the complement: GUCY2C is on the minus strand). VCF-style: chr12-14688000-T-G. GRCh37 (hg19) VCF-style: chr12-14840934-T-G.
Other names: short protein forms D94A.
Identifiers: ClinVar variation 1903046 (VCV001903046.5), dbSNP rs757963296, ClinGen allele CA233241119.

ClinVar aggregate classification (germline): Uncertain significance (1 of 4 stars; one submission).

Allele frequency attached by ClinVar (database versions not stated): gnomAD 0.00001; TOPMed 0.00001.
gnomAD v4.1: 3 of 1,613,728 alleles (0.00019%); highest among the groups gnomAD compares: African/African-American, 0.0013%; no homozygotes.

Submission:

Labcorp Genetics (formerly Invitae), Labcorp
Classification: Uncertain significance. Last evaluated: 2022-07-14. Review status: criteria provided, single submitter. Criteria: Invitae Variant Classification Sherloc (09022015). Collection method: clinical testing. Allele origin: germline.
Comment: This variant has not been reported in the literature in individuals affected with GUCY2C-related conditions. In summary, the available evidence is currently insufficient to determine the role of this variant in disease. Therefore, it has been classified as a Variant of Uncertain Significance. Algorithms developed to predict the effect of missense changes on protein structure and function (SIFT, PolyPhen-2, Align-GVGD) all suggest that this variant is likely to be tolerated. This variant is not present in population databases (gnomAD no frequency). This sequence change replaces aspartic acid, which is acidic and polar, with alanine, which is neutral and non-polar, at codon 94 of the GUCY2C protein (p.Asp94Ala).